The following is an entry in ClinVar:

ClinVar aggregate classification (germline): Uncertain significance (1 of 4 stars; one submission).

gnomAD v4.1: 4 of 1,612,440 alleles (0.00025%); highest among the groups gnomAD compares: Non-Finnish European, 0.00034%; no homozygotes.

Submission:

Labcorp Genetics (formerly Invitae), Labcorp
Classification: Uncertain significance. Last evaluated: 2025-03-05. Review status: criteria provided, single submitter. Criteria: Invitae Variant Classification Sherloc (09022015). Collection method: clinical testing. Allele origin: germline.
Comment: This sequence change replaces isoleucine, which is neutral and non-polar, with valine, which is neutral and non-polar, at codon 4 of the C1S protein (p.Ile4Val). This variant is present in population databases (no rsID available, gnomAD 0.0009%). This variant has not been reported in the literature in individuals affected with C1S-related conditions. An algorithm developed to predict the effect of missense changes on protein structure and function outputs the following: PolyPhen-2: "Benign". The valine amino acid residue is found in multiple mammalian species, which suggests that this missense change does not adversely affect protein function. In summary, the available evidence is currently insufficient to determine the role of this variant in disease. Therefore, it has been classified as a Variant of Uncertain Significance.

NM_001734.5(C1S):c.10A>G (p.Ile4Val)

Gene: C1S (complement C1s; plus strand). Cytogenetic location: 12p13.31.
Variant type: single nucleotide variant.
Coding change: c.10A>G on transcript NM_001734.5 (MANE Select); coding-DNA position 10, A replaced by G.
Protein change: p.Ile4Val; replaces isoleucine 4 with valine.
Molecular consequence: missense variant. On other transcripts: intron variant (1).
Genome position (GRCh38, 1-based): chr12:7,062,479, A>G. VCF-style: chr12-7062479-A-G. GRCh37 (hg19) VCF-style: chr12-7169783-A-G.
Other names: c.10A>G, p.Ile4Val (NM_201442.4); c.-288-411A>G (NM_001346850.2); short protein forms I4V.
Identifiers: ClinVar variation 3609291 (VCV003609291.2).